The following is an entry in ClinVar:

ClinVar aggregate classification (germline): Uncertain significance (1 of 4 stars; one submission).

gnomAD v4.1: 11 of 1,613,632 alleles (0.00068%); highest among the groups gnomAD compares: Admixed American, 0.012%; no homozygotes.

Submission:

Labcorp Genetics (formerly Invitae), Labcorp
Classification: Uncertain significance. Last evaluated: 2023-03-23. Review status: criteria provided, single submitter. Criteria: Invitae Variant Classification Sherloc (09022015). Collection method: clinical testing. Allele origin: germline.
Comment: In summary, the available evidence is currently insufficient to determine the role of this variant in disease. Therefore, it has been classified as a Variant of Uncertain Significance. Advanced modeling of protein sequence and biophysical properties (such as structural, functional, and spatial information, amino acid conservation, physicochemical variation, residue mobility, and thermodynamic stability) performed at Invitae indicates that this missense variant is not expected to disrupt XYLT2 protein function. ClinVar contains an entry for this variant (Variation ID: 1985871). This variant has not been reported in the literature in individuals affected with XYLT2-related conditions. This variant is present in population databases (rs6504649, gnomAD 0.02%). This sequence change replaces threonine, which is neutral and polar, with isoleucine, which is neutral and non-polar, at codon 801 of the XYLT2 protein (p.Thr801Ile).

NM_022167.4(XYLT2):c.2402C>T (p.Thr801Ile)

Gene: XYLT2 (xylosyltransferase 2; plus strand). Cytogenetic location: 17q21.33.
Variant type: single nucleotide variant.
Coding change: c.2402C>T on transcript NM_022167.4 (MANE Select); coding-DNA position 2402, C replaced by T.
Protein change: p.Thr801Ile; replaces threonine 801 with isoleucine.
Molecular consequence: missense variant.
Genome position (GRCh38, 1-based): chr17:50,360,095, C>T. VCF-style: chr17-50360095-C-T. GRCh37 (hg19) VCF-style: chr17-48437456-C-T.
Other names: short protein forms T801I.
Identifiers: ClinVar variation 1985871 (VCV001985871.4), dbSNP rs6504649, ClinGen allele CA8646734.